The following is an entry in ClinVar:

NM_001994.3(F13B):c.1079T>A (p.Val360Glu)

Gene: F13B (coagulation factor XIII B chain; minus strand). Cytogenetic location: 1q31.3.
Variant type: single nucleotide variant.
Coding change: c.1079T>A on transcript NM_001994.3 (MANE Select); coding-DNA position 1079, T replaced by A.
Protein change: p.Val360Glu; replaces valine 360 with glutamic acid.
Molecular consequence: missense variant.
Genome position (GRCh38, 1-based): chr1:197,057,105, A>T on the plus strand (T>A on the coding strand, the complement: F13B is on the minus strand). VCF-style: chr1-197057105-A-T. GRCh37 (hg19) VCF-style: chr1-197026235-A-T.
Other names: short protein forms V360E.
Identifiers: ClinVar variation 1676727 (VCV001676727.1), dbSNP rs2125068039, ClinGen allele CA344002251.

ClinVar aggregate classification (germline): Uncertain significance (1 of 4 stars; one submission).

Conditions:
Factor XIII, b subunit, deficiency of. Also called: Factor XIII subunit B deficiency. Identifiers: Orphanet 331, MedGen C2750481, MONDO:0013190, OMIM 613235, HP:0040234.

Submission:

ISTH-SSC Genomics in Thrombosis and Hemostasis, KU Leuven, Center for Molecular and Vascular Biology
Classification: Uncertain significance for Factor XIII, b subunit, deficiency of. Review status: criteria provided, single submitter. Criteria: ACMG Guidelines, 2015. Collection method: clinical testing. Allele origin: unknown. Affected: yes.
Comment: Submitted to GoldVariant by Kathleen Freson, Center for Molecular and Vascular Biology, Leuven, Belgium

Literature cited by the submitters: PubMed 34355501.